The following is an entry in ClinVar:

NM_152416.4(NDUFAF6):c.440_441insTT (p.Leu147_Thr148insTer)

Gene: NDUFAF6 (NADH:ubiquinone oxidoreductase complex assembly factor 6; plus strand). Cytogenetic location: 8q22.1.
Variant type: Insertion.
Coding change: c.440_441insTT on transcript NM_152416.4 (MANE Select); coding-DNA positions 440 to 441, TT inserted.
Protein change: p.Leu147_Thr148insTer.
Molecular consequence: frameshift variant. On other transcripts: 5 prime UTR variant (10), non-coding transcript variant (6).
Genome position: GRCh38 VCF-style: chr8-95041588-C-CTT. GRCh37 (hg19) VCF-style: chr8-96053816-C-CTT.
Other names: c.164_165insTT, p.Leu55_Thr56insTer (NM_001330582.2, NM_001354514.2, NM_001354515.2 and 1 more transcripts); c.284_285insTT, p.Leu95_Thr96insTer (NM_001354516.2); c.107_108insTT, p.Leu36_Thr37insTer (NM_001354517.2, NM_001354518.2, NM_001354519.2 and 1 more transcripts); c.-17_-16insTT (NM_001354522.2, NM_001354524.2, NM_001354525.2 and 7 more transcripts).
Identifiers: ClinVar variation 2133218 (VCV002133218.4), dbSNP rs2536836598, ClinGen allele CA2579280633.

ClinVar aggregate classification (germline): Pathogenic (1 of 4 stars; one submission).

Submission:

Labcorp Genetics (formerly Invitae), Labcorp
Classification: Pathogenic. Last evaluated: 2022-09-03. Review status: criteria provided, single submitter. Criteria: Invitae Variant Classification Sherloc (09022015). Collection method: clinical testing. Allele origin: germline.
Comment: This sequence change creates a premature translational stop signal (p.Thr148*) in the NDUFAF6 gene. It is expected to result in an absent or disrupted protein product. Loss-of-function variants in NDUFAF6 are known to be pathogenic (PMID: 28639102, 30642748). This variant is not present in population databases (gnomAD no frequency). This variant has not been reported in the literature in individuals affected with NDUFAF6-related conditions. For these reasons, this variant has been classified as Pathogenic.

Literature cited by the submitters: PubMed 28639102; PubMed 30642748.